The following is an entry in ClinVar:

NM_017739.4(POMGNT1):c.631G>A (p.Ala211Thr)

Genes: POMGNT1 (protein O-linked mannose N-acetylglucosaminyltransferase 1 (beta 1,2-); minus strand), TSPAN1 (tetraspanin 1; plus strand). Cytogenetic location: 1p34.1.
Variant type: single nucleotide variant.
Coding change: c.631G>A on transcript NM_017739.4 (MANE Select); coding-DNA position 631, G replaced by A.
Protein change: p.Ala211Thr; replaces alanine 211 with threonine.
Molecular consequence: missense variant.
Genome position (GRCh38, 1-based): chr1:46,194,865, C>T on the plus strand (G>A on the coding strand, the complement: POMGNT1 is on the minus strand). VCF-style: chr1-46194865-C-T. GRCh37 (hg19) VCF-style: chr1-46660537-C-T.
Other names: c.202G>A, p.Ala68Thr (NM_001290130.2); c.631G>A, p.Ala211Thr (NM_001410783.1, NM_001243766.2); c.565G>A, p.Ala189Thr (NM_001290129.3); short protein forms A68T, A189T, A211T.
Identifiers: ClinVar variation 940391 (VCV000940391.8), dbSNP rs1201476826, ClinGen allele CA340186581.

ClinVar aggregate classification (germline): Uncertain significance. Review status: criteria provided, multiple submitters, no conflicts (2 of 4 stars). 2 submissions from 2 submitters: Uncertain significance (2). Last evaluated 2023-01-20.

Conditions:
Inborn genetic diseases. Identifiers: MedGen C0950123, MeSH D030342.
Autosomal recessive limb-girdle muscular dystrophy type 2O. Also called: MUSCULAR DYSTROPHY-DYSTROGLYCANOPATHY (LIMB-GIRDLE), TYPE C, 3; MUSCULAR DYSTROPHY-DYSTROGLYCANOPATHY, LIMB-GIRDLE, POMGNT1-RELATED; Limb-Girdle Muscular Dystrophy Type 3C. Identifiers: Orphanet 206564, MedGen C3150417, MONDO:0013161, OMIM 613157.
Muscular dystrophy-dystroglycanopathy (congenital with impaired intellectual development), type B, 3. Also called: Muscular dystrophy-dystroglycanopathy (congenital with intellectual disability), type B3; MUSCULAR DYSTROPHY, CONGENITAL, POMGNT1-RELATED. Identifiers: MedGen C3150412, MONDO:0013155, OMIM 613151.

Allele frequency attached by ClinVar (database versions not stated): gnomAD exomes below 0.00001.
gnomAD v4.1: 1 of 1,614,112 alleles (0.000062%); highest among the groups gnomAD compares: South Asian, 0.0011%; no homozygotes.

Submissions (2):

Ambry Genetics
Classification: Uncertain significance for Inborn genetic diseases. Last evaluated: 2023-01-20. Review status: criteria provided, single submitter. Criteria: Ambry Variant Classification Scheme 2023. Collection method: clinical testing. Allele origin: germline.

Labcorp Genetics (formerly Invitae), Labcorp
Classification: Uncertain significance for Autosomal recessive limb-girdle muscular dystrophy type 2O; Muscular dystrophy-dystroglycanopathy (congenital with impaired intellectual development), type B, 3. Last evaluated: 2021-08-28. Review status: criteria provided, single submitter. Criteria: Invitae Variant Classification Sherloc (09022015). Collection method: clinical testing. Allele origin: germline.
Comment: This sequence change replaces alanine with threonine at codon 211 of the POMGNT1 protein (p.Ala211Thr). The alanine residue is moderately conserved and there is a small physicochemical difference between alanine and threonine. This variant is not present in population databases (ExAC no frequency). This variant has not been reported in the literature in individuals affected with POMGNT1-related conditions. Algorithms developed to predict the effect of missense changes on protein structure and function (SIFT, PolyPhen-2, Align-GVGD) all suggest that this variant is likely to be tolerated. In summary, the available evidence is currently insufficient to determine the role of this variant in disease. Therefore, it has been classified as a Variant of Uncertain Significance.